The following is an entry in ClinVar:

NM_001040142.2(SCN2A):c.1486A>T (p.Lys496Ter)

Gene: SCN2A (sodium voltage-gated channel alpha subunit 2; plus strand). Cytogenetic location: 2q24.3.
Variant type: single nucleotide variant.
Coding change: c.1486A>T on transcript NM_001040142.2 (MANE Select); coding-DNA position 1486, A replaced by T.
Protein change: p.Lys496Ter; replaces lysine 496 with a stop codon.
Molecular consequence: nonsense.
Genome position (GRCh38, 1-based): chr2:165,315,573, A>T. VCF-style: chr2-165315573-A-T. GRCh37 (hg19) VCF-style: chr2-166172083-A-T.
Other names: c.1486A>T, p.Lys496Ter (NM_001040143.2, NM_001371246.1, NM_001371247.1 and 1 more transcripts); short protein forms K496*.
Identifiers: ClinVar variation 2944596 (VCV002944596.3), dbSNP rs1553569609, ClinGen allele CA349023085.
Genomic context (GRCh38, chr2:165,315,573, plus strand): 5'-GGTGCTGGTGGGATAGGAGTTTTTTCAGAGAGTTCTTCAGTAGCATCTAAGTTGAGCTCC[A>T]AAAGTGAAAAAGAGCTGAAAAACAGAAGAAAGAAAAAGAAACAGAAAGAACAGTCTGGAG-3'

ClinVar aggregate classification (germline): Pathogenic (1 of 4 stars; one submission).

Conditions:
Seizures, benign familial infantile, 3 (BFIS3). Also called: CONVULSIONS, BENIGN FAMILIAL INFANTILE, 3; Familial neonatal seizures. Identifiers: Orphanet 140927, Orphanet 306, MedGen C1843140, MONDO:0011904, OMIM 607745.
Developmental and epileptic encephalopathy, 11 (DEE11). Also called: Early infantile epileptic encephalopathy 11. Identifiers: Orphanet 1934, MedGen C3150987, MONDO:0013388, OMIM 613721.

Submission:

Labcorp Genetics (formerly Invitae), Labcorp
Classification: Pathogenic for Seizures, benign familial infantile, 3; Developmental and epileptic encephalopathy, 11. Last evaluated: 2023-02-22. Review status: criteria provided, single submitter. Criteria: Invitae Variant Classification Sherloc (09022015). Collection method: clinical testing. Allele origin: germline.
Comment: This sequence change creates a premature translational stop signal (p.Lys496*) in the SCN2A gene. It is expected to result in an absent or disrupted protein product. Loss-of-function variants in SCN2A are known to be pathogenic (PMID: 28379373). This variant is not present in population databases (gnomAD no frequency). This variant has not been reported in the literature in individuals affected with SCN2A-related conditions. For these reasons, this variant has been classified as Pathogenic.

Literature cited by the submitters: PubMed 28379373.